The following is an entry in ClinVar:

NM_001128425.2(MUTYH):c.185C>T (p.Pro62Leu)

Gene: MUTYH (mutY DNA glycosylase; minus strand). Cytogenetic location: 1p34.1.
Variant type: single nucleotide variant.
Coding change: c.185C>T on transcript NM_001128425.2 (MANE Plus Clinical); coding-DNA position 185, C replaced by T.
Protein change: p.Pro62Leu; replaces proline 62 with leucine.
Molecular consequence: missense variant. On other transcripts: intron variant (24).
Genome position (GRCh38, 1-based): chr1:45,333,576, G>A on the plus strand (C>T on the coding strand, the complement: MUTYH is on the minus strand). VCF-style: chr1-45333576-G-A. GRCh37 (hg19) VCF-style: chr1-45799248-G-A.
Other names: c.134C>T, p.Pro45Leu (NM_001293191.2, NM_001407077.1); c.176C>T, p.Pro59Leu (NM_001407069.1, NM_012222.3); c.17C>T, p.Pro6Leu (NM_001407075.1); c.143C>T, p.Pro48Leu (NM_001407083.1, NM_001407085.1); c.116-15C>T (NM_001407072.1, NM_001048171.2, NM_001407070.1 and 7 more transcripts); c.-92-79C>T (NM_001350651.2, NM_001407082.1); c.-97-79C>T (NM_001293192.2, NM_001293196.2, NM_001407091.1); c.-156-15C>T (NM_001350650.2); and 4 more; short protein forms P45L, P6L, P48L, P59L, P62L.
Identifiers: ClinVar variation 5024992 (VCV005024992.1).

ClinVar aggregate classification (germline): Uncertain significance (1 of 4 stars; one submission).

Conditions:
Hereditary cancer-predisposing syndrome. Also called: Neoplastic Syndromes, Hereditary; Tumor predisposition; Hereditary neoplastic syndrome; Hereditary Cancer Syndrome. Identifiers: Orphanet 140162, MedGen C0027672, MeSH D009386, MONDO:0015356.

Submission:

Ambry Genetics
Classification: Uncertain significance for Hereditary cancer-predisposing syndrome. Last evaluated: 2026-07-06. Review status: criteria provided, single submitter. Criteria: Ambry Variant Classification Scheme 2023. Collection method: clinical testing. Allele origin: germline.
Comment: The p.P62L variant (also known as c.185C>T), located in coding exon 3 of the MUTYH gene, results from a C to T substitution at nucleotide position 185. The proline at codon 62 is replaced by leucine, an amino acid with similar properties. This amino acid position is conserved. In addition, this alteration is predicted to be tolerated by in silico analysis. Based on the available evidence, the clinical significance of this variant remains unclear.